The following is an entry in ClinVar:

NM_005076.5(CNTN2):c.31C>G (p.Leu11Val)

Gene: CNTN2 (contactin 2; plus strand). Cytogenetic location: 1q32.1.
Variant type: single nucleotide variant.
Coding change: c.31C>G on transcript NM_005076.5 (MANE Select); coding-DNA position 31, C replaced by G.
Protein change: p.Leu11Val; replaces leucine 11 with valine.
Molecular consequence: missense variant. On other transcripts: non-coding transcript variant (1).
Genome position (GRCh38, 1-based): chr1:205,053,216, C>G. VCF-style: chr1-205053216-C-G. GRCh37 (hg19) VCF-style: chr1-205022344-C-G.
Other names: c.31C>G, p.Leu11Val (NM_001346083.2); c.31C>G (NM_005076.3); short protein forms L11V.
Identifiers: ClinVar variation 1473378 (VCV001473378.6), dbSNP rs2096455937, ClinGen allele CA344402490.

ClinVar aggregate classification (germline): Uncertain significance. Review status: criteria provided, multiple submitters, no conflicts (2 of 4 stars). 2 submissions from 2 submitters: Uncertain significance (2). Last evaluated 2025-10-18.

Conditions:
Epilepsy, familial adult myoclonic, 5 (EPEO5). Also called: CORTICAL MYOCLONIC TREMOR WITH EPILEPSY, FAMILIAL, 5. Identifiers: Orphanet 86814, MedGen C3809374, MONDO:0014167, OMIM 615400.

Allele frequency attached by ClinVar (database versions not stated): TOPMed below 0.00001.

Submissions (2):

Ambry Genetics
Classification: Uncertain significance. Last evaluated: 2025-10-18. Review status: criteria provided, single submitter. Criteria: Ambry Variant Classification Scheme 2023. Collection method: clinical testing. Allele origin: germline.

Labcorp Genetics (formerly Invitae), Labcorp
Classification: Uncertain significance for Epilepsy, familial adult myoclonic, 5. Last evaluated: 2021-08-26. Review status: criteria provided, single submitter. Criteria: Invitae Variant Classification Sherloc (09022015). Collection method: clinical testing. Allele origin: germline.
Comment: This sequence change replaces leucine with valine at codon 11 of the CNTN2 protein (p.Leu11Val). The leucine residue is highly conserved and there is a small physicochemical difference between leucine and valine. This variant is not present in population databases (ExAC no frequency). This variant has not been reported in the literature in individuals affected with CNTN2-related conditions. Advanced modeling of protein sequence and biophysical properties (such as structural, functional, and spatial information, amino acid conservation, physicochemical variation, residue mobility, and thermodynamic stability) performed at Invitae indicates that this missense variant is not expected to disrupt CNTN2 protein function. In summary, the available evidence is currently insufficient to determine the role of this variant in disease. Therefore, it has been classified as a Variant of Uncertain Significance.